The following is an entry in ClinVar:

ClinVar aggregate classification (germline): Uncertain significance (1 of 4 stars; one submission).

Conditions:
SEMA3E-related disorder. Also called: SEMA3E-related condition.

Submission:

PreventionGenetics, part of Exact Sciences
Classification: Uncertain significance for SEMA3E-related condition. Last evaluated: 2026-09-02. Review status: criteria provided, single submitter. Criteria: ACMG Guidelines, 2015. Collection method: clinical testing. Allele origin: germline.
Comment: The SEMA3E c.254G>C variant is predicted to result in the amino acid substitution p.Arg85Thr. To our knowledge, this variant has not been reported in the literature or in a large population database (gnomAD), indicating this variant is rare. At this time, the clinical significance of this variant is uncertain due to the absence of conclusive functional and genetic evidence.

NM_012431.3(SEMA3E):c.254G>C (p.Arg85Thr)

Gene: SEMA3E (semaphorin 3E; minus strand). Cytogenetic location: 7q21.11.
Variant type: single nucleotide variant.
Coding change: c.254G>C on transcript NM_012431.3 (MANE Select); coding-DNA position 254, G replaced by C.
Protein change: p.Arg85Thr; replaces arginine 85 with threonine.
Molecular consequence: missense variant.
Genome position (GRCh38, 1-based): chr7:83,490,136, C>G on the plus strand (G>C on the coding strand, the complement: SEMA3E is on the minus strand). VCF-style: chr7-83490136-C-G. GRCh37 (hg19) VCF-style: chr7-83119452-C-G.
Other names: c.74G>C, p.Arg25Thr (NM_001178129.2); short protein forms R25T, R85T.
Identifiers: ClinVar variation 4988339 (VCV004988339.1).